The following is an entry in ClinVar:

ClinVar aggregate classification (germline): Likely benign. Review status: criteria provided, multiple submitters, no conflicts (2 of 4 stars). 2 submissions from 2 submitters: Likely benign (2). Last evaluated 2018-10-10.

Allele frequency attached by ClinVar (database versions not stated): ExAC 0.00005; gnomAD exomes 0.00007 and 0.00019; gnomAD 0.00009; TOPMed 0.00014; ESP Exome Variant Server 0.00023.
gnomAD v4.1: 285 of 1,613,216 alleles (0.018%); highest among the groups gnomAD compares: Non-Finnish European, 0.023%; 1 homozygote.

Submissions (2):

Laboratory for Molecular Medicine, Mass General Brigham Personalized Medicine
Classification: Likely benign. Last evaluated: 2018-10-10. Review status: criteria provided, single submitter. Criteria: LMM Criteria. Collection method: clinical testing. Allele origin: germline. Observed: 1 variant allele.
Comment: The p.Ala1447Thr variant in STRC is classified as likely benign due to a lack of conservation across species. Five mammals (bushbaby, star-nosed mole, opossum, Tasmanian devil, wallaby) carry a threonine (Thr) at this position despite high nearby amino acid conservation. In addition, computational prediction tools pred ict that this variant does not impact the protein. It has been identified in 0.0 1% (17/126080) of European chromosomes by gnomAD (rg). ACMG/AMP Criteria applied: BP4_Strong.

Breakthrough Genomics
Classification: Likely benign. Review status: criteria provided, single submitter. Criteria: ACMG Guidelines, 2015. Collection method: not provided. Allele origin: germline. Inheritance: Autosomal recessive inheritance. Affected: yes.

NM_153700.2(STRC):c.4339G>A (p.Ala1447Thr)

Gene: STRC (stereocilin; minus strand). Cytogenetic location: 15q15.3.
Variant type: single nucleotide variant.
Coding change: c.4339G>A on transcript NM_153700.2 (MANE Select); coding-DNA position 4339, G replaced by A.
Protein change: p.Ala1447Thr; replaces alanine 1447 with threonine.
Molecular consequence: missense variant.
Genome position (GRCh38, 1-based): chr15:43,604,032, C>T on the plus strand (G>A on the coding strand, the complement: STRC is on the minus strand). VCF-style: chr15-43604032-C-T. GRCh37 (hg19) VCF-style: chr15-43896230-C-T.
Other names: short protein forms A1447T.
Identifiers: ClinVar variation 666760 (VCV000666760.5), dbSNP rs140238012, ClinGen allele CA7528073.